The following is an entry in ClinVar:

NM_017534.6(MYH2):c.3584C>T (p.Ala1195Val)

Genes: MYHAS (myosin heavy chain gene cluster antisense RNA; plus strand), MYH2 (myosin heavy chain 2; minus strand). Cytogenetic location: 17p13.1.
Variant type: single nucleotide variant.
Coding change: c.3584C>T on transcript NM_017534.6 (MANE Select); coding-DNA position 3584, C replaced by T.
Protein change: p.Ala1195Val; replaces alanine 1195 with valine.
Molecular consequence: missense variant.
Genome position (GRCh38, 1-based): chr17:10,528,850, G>A on the plus strand (C>T on the coding strand, the complement: MYH2 is on the minus strand). VCF-style: chr17-10528850-G-A. GRCh37 (hg19) VCF-style: chr17-10432167-G-A.
Other names: c.3584C>T, p.Ala1195Val (NM_001100112.2); short protein forms A1195V.
Identifiers: ClinVar variation 856254 (VCV000856254.7), dbSNP rs373108053, ClinGen allele CA8390860.

ClinVar aggregate classification (germline): Uncertain significance (1 of 4 stars; one submission).

Conditions:
Myopathy, proximal, and ophthalmoplegia (CMYO6). Also called: CONGENITAL MYOPATHY 6 WITH OPHTHALMOPLEGIA; MYOPATHY WITH CONGENITAL JOINT CONTRACTURES, OPHTHALMOPLEGIA, AND RIMMED VACUOLES; INCLUSION BODY MYOPATHY 3, AUTOSOMAL DOMINANT. Identifiers: Orphanet 363677, Orphanet 79091, MedGen C1854106, MONDO:0011577, OMIM 605637.

Allele frequency attached by ClinVar (database versions not stated): gnomAD exomes below 0.00001; TOPMed below 0.00001; ExAC 0.00001; gnomAD 0.00001; ESP Exome Variant Server 0.00008.
gnomAD v4.1: 9 of 1,614,096 alleles (0.00056%); highest among the groups gnomAD compares: South Asian, 0.0022%; no homozygotes.

Submission:

Labcorp Genetics (formerly Invitae), Labcorp
Classification: Uncertain significance for Myopathy, proximal, and ophthalmoplegia. Last evaluated: 2024-10-12. Review status: criteria provided, single submitter. Criteria: Invitae Variant Classification Sherloc (09022015). Collection method: clinical testing. Allele origin: germline.
Comment: This sequence change replaces alanine, which is neutral and non-polar, with valine, which is neutral and non-polar, at codon 1195 of the MYH2 protein (p.Ala1195Val). This variant is present in population databases (rs373108053, gnomAD 0.0009%). This variant has not been reported in the literature in individuals affected with MYH2-related conditions. ClinVar contains an entry for this variant (Variation ID: 856254). Invitae Evidence Modeling of protein sequence and biophysical properties (such as structural, functional, and spatial information, amino acid conservation, physicochemical variation, residue mobility, and thermodynamic stability) indicates that this missense variant is not expected to disrupt MYH2 protein function with a negative predictive value of 80%. In summary, the available evidence is currently insufficient to determine the role of this variant in disease. Therefore, it has been classified as a Variant of Uncertain Significance.